The following is an entry in ClinVar:

ClinVar aggregate classification (germline): Conflicting classifications of pathogenicity. Review status: criteria provided, conflicting classifications (1 of 4 stars). 4 submissions from 4 submitters: Uncertain significance (2); Likely benign (2). Last evaluated 2026-05-13.

Conditions:
Cardiovascular phenotype. Identifiers: MedGen CN230736.

Allele frequency attached by ClinVar (database versions not stated): ExAC 0.00006; gnomAD exomes 0.00008 and 0.00002; gnomAD 0.00011; TOPMed 0.00014; 1000 Genomes Project 30x 0.00031; 1000 Genomes Project 0.00020.
gnomAD v4.1: 39 of 1,549,674 alleles (0.0025%); highest among the groups gnomAD compares: African/African-American, 0.025%; no homozygotes.

Submissions (4):

Women's Health and Genetics/Laboratory Corporation of America, LabCorp
Classification: Uncertain significance. Last evaluated: 2026-05-13. Review status: criteria provided, single submitter. Criteria: LabCorp Variant Classification Summary - May 2015. Collection method: clinical testing. Allele origin: germline.
Comment: Variant summary: ZNF469 c.9080G>A (p.Arg3027His) results in a non-conservative amino acid change in the encoded protein sequence. Algorithms developed to predict the effect of missense changes on protein structure and function are either unavailable or do not agree on the potential impact of this missense change. The variant allele was found at a frequency of 7.9e-05 in 152478 control chromosomes. This frequency is not significantly higher than estimated for disease-causing variants in ZNF469, allowing no conclusion about variant significance. To our knowledge, no occurrence of c.9080G>A in individuals affected with ZNF469-related conditions and no experimental evidence demonstrating its impact on protein function have been reported. ClinVar contains an entry for this variant (Variation ID: 1187043). Based on the evidence outlined above, the variant was classified as uncertain significance.

Labcorp Genetics (formerly Invitae), Labcorp
Classification: Uncertain significance. Last evaluated: 2021-12-21. Review status: criteria provided, single submitter. Criteria: Invitae Variant Classification Sherloc (09022015). Collection method: clinical testing. Allele origin: germline.
Comment: This sequence change replaces arginine, which is basic and polar, with histidine, which is basic and polar, at codon 2999 of the ZNF469 protein (p.Arg2999His). This variant is present in population databases (rs566978194, gnomAD 0.03%). This variant has not been reported in the literature in individuals affected with ZNF469-related conditions. Algorithms developed to predict the effect of missense changes on protein structure and function output the following: SIFT: "Tolerated"; PolyPhen-2: "Benign"; Align-GVGD: "Class C0". The histidine amino acid residue is found in multiple mammalian species, which suggests that this missense change does not adversely affect protein function. In summary, the available evidence is currently insufficient to determine the role of this variant in disease. Therefore, it has been classified as a Variant of Uncertain Significance.

Ambry Genetics
Classification: Likely benign for Cardiovascular phenotype. Last evaluated: 2021-07-22. Review status: criteria provided, single submitter. Criteria: Ambry Variant Classification Scheme 2023. Collection method: clinical testing. Allele origin: germline.

GeneDx
Classification: Likely benign. Last evaluated: 2021-04-29. Review status: criteria provided, single submitter. Criteria: GeneDx Variant Classification Process June 2021. Collection method: clinical testing. Allele origin: germline. Affected: yes.

NM_001367624.2(ZNF469):c.9080G>A (p.Arg3027His)

Gene: ZNF469 (zinc finger protein 469; plus strand). Cytogenetic location: 16q24.2.
Variant type: single nucleotide variant.
Coding change: c.9080G>A on transcript NM_001367624.2 (MANE Select); coding-DNA position 9080, G replaced by A.
Protein change: p.Arg3027His; replaces arginine 3027 with histidine.
Molecular consequence: missense variant.
Genome position (GRCh38, 1-based): chr16:88,436,550, G>A. VCF-style: chr16-88436550-G-A. GRCh37 (hg19) VCF-style: chr16-88502958-G-A.
Other names: NM_001127464.1:c.8996G>A; short protein forms R3027H.
Identifiers: ClinVar variation 1187043 (VCV001187043.7), dbSNP rs566978194, ClinGen allele CA8225406.